The following is an entry in ClinVar:

ClinVar aggregate classification (germline): Uncertain significance (1 of 4 stars; one submission).

gnomAD v4.1: 2 of 1,614,100 alleles (0.00012%); highest among the groups gnomAD compares: Non-Finnish European, 0.00017%; no homozygotes.

Submission:

Labcorp Genetics (formerly Invitae), Labcorp
Classification: Uncertain significance. Last evaluated: 2025-08-11. Review status: criteria provided, single submitter. Criteria: Invitae Variant Classification Sherloc (09022015). Collection method: clinical testing. Allele origin: germline.
Comment: This sequence change replaces methionine, which is neutral and non-polar, with valine, which is neutral and non-polar, at codon 57 of the FBLN5 protein (p.Met57Val). This variant is not present in population databases (gnomAD no frequency). This variant has not been reported in the literature in individuals affected with FBLN5-related conditions. ClinVar contains an entry for this variant (Variation ID: 3621144). An algorithm developed to predict the effect of missense changes on protein structure and function (PolyPhen-2) suggests that this variant is likely to be disruptive. In summary, the available evidence is currently insufficient to determine the role of this variant in disease. Therefore, it has been classified as a Variant of Uncertain Significance.

NM_006329.4(FBLN5):c.169A>G (p.Met57Val)

Gene: FBLN5 (fibulin 5; minus strand). Cytogenetic location: 14q32.12.
Variant type: single nucleotide variant.
Coding change: c.169A>G on transcript NM_006329.4 (MANE Select); coding-DNA position 169, A replaced by G.
Protein change: p.Met57Val; replaces methionine 57 with valine.
Molecular consequence: missense variant. On other transcripts: initiator codon variant (2).
Genome position (GRCh38, 1-based): chr14:91,937,157, T>C on the plus strand (A>G on the coding strand, the complement: FBLN5 is on the minus strand). VCF-style: chr14-91937157-T-C. GRCh37 (hg19) VCF-style: chr14-92403501-T-C.
Other names: c.292A>G, p.Met98Val (NM_001384158.1); c.220A>G, p.Met74Val (NM_001384159.1); c.169A>G, p.Met57Val (NM_001384160.1); c.1A>G, p.Met1Val (NM_001384161.1, NM_001384162.1); short protein forms M1V, M57V, M74V, M98V.
Identifiers: ClinVar variation 3621144 (VCV003621144.2).